The following is an entry in ClinVar:

NM_016292.3(TRAP1):c.4G>T (p.Ala2Ser)

Genes: TRAP1 (TNF receptor associated protein 1; minus strand), LOC130058352 (ATAC-STARR-seq lymphoblastoid silent region 7139; plus strand). Cytogenetic location: 16p13.3.
Variant type: single nucleotide variant.
Coding change: c.4G>T on transcript NM_016292.3 (MANE Select); coding-DNA position 4, G replaced by T.
Protein change: p.Ala2Ser; replaces alanine 2 with serine.
Molecular consequence: missense variant.
Genome position (GRCh38, 1-based): chr16:3,717,505, C>A on the plus strand (G>T on the coding strand, the complement: TRAP1 is on the minus strand). VCF-style: chr16-3717505-C-A. GRCh37 (hg19) VCF-style: chr16-3767506-C-A.
Other names: c.4G>T (NM_016292.2); c.4G>T, p.Ala2Ser (NM_001272049.2); short protein forms A2S.
Identifiers: ClinVar variation 1518112 (VCV001518112.7), dbSNP rs748315970, ClinGen allele CA7868888.

ClinVar aggregate classification (germline): Uncertain significance. Review status: criteria provided, multiple submitters, no conflicts (2 of 4 stars). 2 submissions from 2 submitters: Uncertain significance (2). Last evaluated 2025-12-23.

Allele frequency attached by ClinVar (database versions not stated): gnomAD exomes 0.00043; ExAC 0.00194.
gnomAD v4.1: 790 of 1,352,742 alleles (0.058%); highest among the groups gnomAD compares: Middle Eastern, 0.083%; no homozygotes.

Submissions (2):

Labcorp Genetics (formerly Invitae), Labcorp
Classification: Uncertain significance. Last evaluated: 2025-12-23. Review status: criteria provided, single submitter. Criteria: Invitae Variant Classification Sherloc (09022015). Collection method: clinical testing. Allele origin: germline.
Comment: This sequence change replaces alanine, which is neutral and non-polar, with serine, which is neutral and polar, at codon 2 of the TRAP1 protein (p.Ala2Ser). This variant is present in population databases (rs748315970, gnomAD 0.1%), and has an allele count higher than expected for a pathogenic variant. This variant has not been reported in the literature in individuals affected with TRAP1-related conditions. ClinVar contains an entry for this variant (Variation ID: 1518112). Experimental studies and prediction algorithms are not available or were not evaluated, and the functional significance of this variant is currently unknown. In summary, the available evidence is currently insufficient to determine the role of this variant in disease. Therefore, it has been classified as a Variant of Uncertain Significance.

Ambry Genetics
Classification: Uncertain significance. Last evaluated: 2021-06-18. Review status: criteria provided, single submitter. Criteria: Ambry Variant Classification Scheme 2023. Collection method: clinical testing. Allele origin: germline.